The following is an entry in ClinVar:

ClinVar aggregate classification (germline): Uncertain significance (1 of 4 stars; one submission).

Conditions:
TNF receptor-associated periodic fever syndrome (TRAPS) (FPF). Also called: TNF RECEPTOR-ASSOCIATED PERIODIC SYNDROME; TUMOR NECROSIS FACTOR RECEPTOR-ASSOCIATED PERIODIC SYNDROME; TNF Receptor-Associated Periodic Fever Syndrome; FAMILIAL HIBERNIAN FEVER; TNF receptor 1-associated periodic fever syndrome; Autosomal Dominant Familial Periodic Fever. Identifiers: Orphanet 32960, MedGen C1275126, MONDO:0007727, OMIM 142680.

Submission:

Labcorp Genetics (formerly Invitae), Labcorp
Classification: Uncertain significance for TNF receptor-associated periodic fever syndrome (TRAPS). Last evaluated: 2019-08-22. Review status: criteria provided, single submitter. Criteria: Invitae Variant Classification Sherloc (09022015). Collection method: clinical testing. Allele origin: germline.
Comment: In summary, the available evidence is currently insufficient to determine the role of this variant in disease. Therefore, it has been classified as a Variant of Uncertain Significance. Algorithms developed to predict the effect of missense changes on protein structure and function are either unavailable or do not agree on the potential impact of this missense change (SIFT: "Tolerated"; PolyPhen-2: "Probably Damaging"; Align-GVGD: "Class C0"). This variant has not been reported in the literature in individuals with TNFRSF1A-related conditions. This variant is not present in population databases (ExAC no frequency). This sequence change replaces proline with leucine at codon 215 of the TNFRSF1A protein (p.Pro215Leu). The proline residue is moderately conserved and there is a moderate physicochemical difference between proline and leucine.

NM_001065.4(TNFRSF1A):c.644C>T (p.Pro215Leu)

Gene: TNFRSF1A (TNF receptor superfamily member 1A; minus strand). Cytogenetic location: 12p13.31.
Variant type: single nucleotide variant.
Coding change: c.644C>T on transcript NM_001065.4 (MANE Select); coding-DNA position 644, C replaced by T.
Protein change: p.Pro215Leu; replaces proline 215 with leucine.
Molecular consequence: missense variant. On other transcripts: non-coding transcript variant (1).
Genome position (GRCh38, 1-based): chr12:6,330,693, G>A on the plus strand (C>T on the coding strand, the complement: TNFRSF1A is on the minus strand). VCF-style: chr12-6330693-G-A. GRCh37 (hg19) VCF-style: chr12-6439859-G-A.
Other names: c.320C>T, p.Pro107Leu (NM_001346091.2); c.185C>T, p.Pro62Leu (NM_001346092.2); short protein forms P107L, P62L, P215L.
Identifiers: ClinVar variation 941881 (VCV000941881.9), dbSNP rs1948038665, ClinGen allele CA383547818.
Genomic context (GRCh38, chr12:6,330,693, plus strand): 5'-CGATACATTAAACCAATGAAGAGGAGGGATAAAAGGCAAAGACCAAAGAAAATGACCAGG[G>A]GCAACAGCACTGTGGTGCCTGCAGACAAAGCAGGTGTTGGTCAGAGGAGCGGGCAGAGGG-3'
Protein context (NP_001056.1, residues 205-225): TEDSGTTVLL[Pro215Leu]LVIFFGLCLL